The following is an entry in ClinVar:

NM_147127.5(EVC2):c.2474T>C (p.Leu825Pro)

Gene: EVC2 (EvC ciliary complex subunit 2; minus strand). Cytogenetic location: 4p16.2.
Variant type: single nucleotide variant.
Coding change: c.2474T>C on transcript NM_147127.5 (MANE Select); coding-DNA position 2474, T replaced by C.
Protein change: p.Leu825Pro; replaces leucine 825 with proline.
Molecular consequence: missense variant.
Genome position (GRCh38, 1-based): chr4:5,622,564, A>G on the plus strand (T>C on the coding strand, the complement: EVC2 is on the minus strand). VCF-style: chr4-5622564-A-G. GRCh37 (hg19) VCF-style: chr4-5624291-A-G.
Other names: c.2234T>C, p.Leu745Pro (NM_001166136.2); short protein forms L825P, L745P.
Identifiers: ClinVar variation 580151 (VCV000580151.11), dbSNP rs1270446777, ClinGen allele CA356144358.
Genomic context (GRCh38, chr4:5,622,564, plus strand): 5'-GGAGGGGTGATTACGACCCGCAAAGGCACTCACATGAAGATCAGGTGCTCCCAGCGTCGC[A>G]GCTCTGCCTGCTCCTCTGTCACGGCCTCAGGAGCGTCATCCTTCAGTCTCTGCCTCACGC-3'
Protein context (NP_667338.3, residues 815-835): PEAVTEEQAE[Leu825Pro]RRWEHLIFMK

ClinVar aggregate classification (germline): Uncertain significance. Review status: criteria provided, multiple submitters, no conflicts (2 of 4 stars). 2 submissions from 2 submitters: Uncertain significance (2). Last evaluated 2024-08-28.

Conditions:
Inborn genetic diseases. Identifiers: MedGen C0950123, MeSH D030342.
Ellis-van Creveld syndrome (EVC). Also called: EVC-Related Ellis-van Creveld Syndrome; EVC2-Related Ellis-van Creveld Syndrome; Chondroectodermal dysplasia; MESOECTODERMAL DYSPLASIA. Identifiers: Orphanet 289, MedGen C0013903, MONDO:0009162, OMIM 225500.
Curry-Hall syndrome (WAD). Also called: WEYERS ACRODENTAL DYSOSTOSIS. Identifiers: Orphanet 952, MedGen C0457013, MONDO:0008673, OMIM 193530.

Allele frequency attached by ClinVar (database versions not stated): gnomAD exomes below 0.00001.
gnomAD v4.1: 2 of 1,613,952 alleles (0.00012%); highest among the groups gnomAD compares: Admixed American, 0.0017%; no homozygotes.

Submissions (2):

Ambry Genetics
Classification: Uncertain significance for Inborn genetic diseases. Last evaluated: 2024-08-28. Review status: criteria provided, single submitter. Criteria: Ambry Variant Classification Scheme 2023. Collection method: clinical testing. Allele origin: germline.

Labcorp Genetics (formerly Invitae), Labcorp
Classification: Uncertain significance for Curry-Hall syndrome; Ellis-van Creveld syndrome. Last evaluated: 2021-03-07. Review status: criteria provided, single submitter. Criteria: Invitae Variant Classification Sherloc (09022015). Collection method: clinical testing. Allele origin: germline.
Comment: Algorithms developed to predict the effect of missense changes on protein structure and function do not agree on the potential impact of this missense change (SIFT: "Deleterious"; PolyPhen-2: "Probably Damaging"; Align-GVGD: "Class C15"). This variant has not been reported in the literature in individuals with EVC2-related disease. This variant is not present in population databases (ExAC no frequency). This sequence change replaces leucine with proline at codon 825 of the EVC2 protein (p.Leu825Pro). The leucine residue is highly conserved and there is a moderate physicochemical difference between leucine and proline. In summary, the available evidence is currently insufficient to determine the role of this variant in disease. Therefore, it has been classified as a Variant of Uncertain Significance.